The following is an entry in ClinVar:

ClinVar aggregate classification (germline): Uncertain significance (1 of 4 stars; one submission).

Allele frequency attached by ClinVar (database versions not stated): gnomAD exomes below 0.00001.
gnomAD v4.1: 1 of 1,614,008 alleles (0.000062%); highest among the groups gnomAD compares: Non-Finnish European, 0.000085%; no homozygotes.

Submission:

GeneDx
Classification: Uncertain significance. Last evaluated: 2019-04-29. Review status: criteria provided, single submitter. Criteria: GeneDx Variant Classification Process June 2021. Collection method: clinical testing. Allele origin: germline. Affected: yes.
Comment: Not observed at a significant frequency in large population cohorts (Lek et al., 2016); In silico analysis, which includes protein predictors and evolutionary conservation, supports that this variant does not alter protein structure/function; Has not been previously published as pathogenic or benign to our knowledge

NM_000384.3(APOB):c.11944G>A (p.Ala3982Thr)

Gene: APOB (apolipoprotein B; minus strand). Cytogenetic location: 2p24.1.
Variant type: single nucleotide variant.
Coding change: c.11944G>A on transcript NM_000384.3 (MANE Select); coding-DNA position 11944, G replaced by A.
Protein change: p.Ala3982Thr; replaces alanine 3982 with threonine.
Molecular consequence: missense variant.
Genome position (GRCh38, 1-based): chr2:21,004,412, C>T on the plus strand (G>A on the coding strand, the complement: APOB is on the minus strand). VCF-style: chr2-21004412-C-T. GRCh37 (hg19) VCF-style: chr2-21227284-C-T.
Other names: short protein forms A3982T.
Identifiers: ClinVar variation 1302553 (VCV001302553.2), dbSNP rs1291270341, ClinGen allele CA345975736.